The following is an entry in ClinVar:

ClinVar aggregate classification (germline): Conflicting classifications of pathogenicity. Review status: criteria provided, conflicting classifications (1 of 4 stars). 6 submissions from 6 submitters: Uncertain significance (1); Likely benign (5). Last evaluated 2025-11-05.

Conditions:
Inborn genetic diseases. Identifiers: MedGen C0950123, MeSH D030342.
Hereditary sensory and autonomic neuropathy type 7. Also called: Neuropathy, hereditary sensory and autonomic, type VII; HSAN VII. Identifiers: Orphanet 391397, MedGen C3809882, MONDO:0014244, OMIM 615548.
Familial episodic pain syndrome with predominantly lower limb involvement. Also called: Episodic pain syndrome, familial, 3. Identifiers: Orphanet 391384, Orphanet 391392, MedGen C3809899, MONDO:0014247, OMIM 615552.
SCN11A-related disorder. Also called: SCN11A-related condition.

Allele frequency attached by ClinVar (database versions not stated): ExAC 0.00012; ESP Exome Variant Server 0.00015; gnomAD exomes 0.00018 and 0.00046; gnomAD 0.00023; TOPMed 0.00024.
gnomAD v4.1: 703 of 1,613,926 alleles (0.044%); highest among the groups gnomAD compares: Non-Finnish European, 0.057%; 2 homozygotes.

Submissions (6):

Labcorp Genetics (formerly Invitae), Labcorp
Classification: Uncertain significance for Familial episodic pain syndrome with predominantly lower limb involvement; Hereditary sensory and autonomic neuropathy type 7. Last evaluated: 2025-11-05. Review status: criteria provided, single submitter. Criteria: Invitae Variant Classification Sherloc (09022015). Collection method: clinical testing. Allele origin: germline.
Comment: This sequence change replaces proline, which is neutral and non-polar, with leucine, which is neutral and non-polar, at codon 577 of the SCN11A protein (p.Pro577Leu). This variant is present in population databases (rs374524879, gnomAD 0.03%), and has an allele count higher than expected for a pathogenic variant. This missense change has been observed in individual(s) with episodic pain (PMID: 36895957). ClinVar contains an entry for this variant (Variation ID: 425292). Invitae Evidence Modeling of protein sequence and biophysical properties (such as structural, functional, and spatial information, amino acid conservation, physicochemical variation, residue mobility, and thermodynamic stability) indicates that this missense variant is expected to disrupt SCN11A protein function with a positive predictive value of 80%. In summary, the available evidence is currently insufficient to determine the role of this variant in disease. Therefore, it has been classified as a Variant of Uncertain Significance.

Women's Health and Genetics/Laboratory Corporation of America, LabCorp
Classification: Likely benign. Last evaluated: 2025-04-14. Review status: criteria provided, single submitter. Criteria: LabCorp Variant Classification Summary - May 2015. Collection method: clinical testing. Allele origin: germline.
Comment: Variant summary: SCN11A c.1730C>T (p.Pro577Leu) results in a non-conservative amino acid change in the encoded protein sequence. Five of five in-silico tools predict a damaging effect of the variant on protein function. The variant allele was found at a frequency of 0.00018 in 251214 control chromosomes. The observed variant frequency is approximately 183.11 fold of the estimated maximal expected allele frequency for a pathogenic variant in SCN11A causing Familial episodic pain syndrome with predominantly lower limb involvement phenotype (1e-06). c.1730C>T has been observed in individual(s) affected with neuropathic pain disorders (Themistocleous_2023). These report(s) do not provide unequivocal conclusions about association of the variant with Familial episodic pain syndrome with predominantly lower limb involvement. To our knowledge, no experimental evidence demonstrating an impact on protein function has been reported. The following publication has been ascertained in the context of this evaluation (PMID: 368959 ClinVar contains an entry for this variant (Variation ID: 425292). Based on the evidence outlined above, the variant was classified as likely benign.

PreventionGenetics, part of Exact Sciences
Classification: Likely benign for SCN11A-related condition. Last evaluated: 2025-03-31. Review status: criteria provided, single submitter. Criteria: ACMG Guidelines, 2015. Collection method: clinical testing. Allele origin: germline.
Comment: This variant is classified as likely benign based on ACMG/AMP sequence variant interpretation guidelines (Richards et al. 2015 PMID: 25741868, with internal and published modifications).

Blueprint Genetics
Classification: Likely benign. Last evaluated: 2024-10-11. Review status: criteria provided, single submitter. Criteria: ACMG Guidelines, 2015. Collection method: clinical testing. Allele origin: germline.

CeGaT Center for Human Genetics Tuebingen
Classification: Likely benign. Last evaluated: 2024-07-01. Review status: criteria provided, single submitter. Criteria: CeGaT Center For Human Genetics Tuebingen Variant Classification Criteria Version 2. Collection method: clinical testing. Allele origin: germline. Affected: yes. Observed: 2 variant alleles.
Comment: SCN11A: BS1

Ambry Genetics
Classification: Likely benign for Inborn genetic diseases. Last evaluated: 2019-09-03. Review status: criteria provided, single submitter. Criteria: Ambry Variant Classification Scheme 2023. Collection method: clinical testing. Allele origin: germline.

Literature cited by the submitters: PubMed 36895957 (cited by Labcorp Genetics (formerly Invitae), Labcorp and Women's Health and Genetics/Laboratory Corporation of America, LabCorp).

NM_001349253.2(SCN11A):c.1730C>T (p.Pro577Leu)

Gene: SCN11A (sodium voltage-gated channel alpha subunit 11; minus strand). Cytogenetic location: 3p22.2.
Variant type: single nucleotide variant.
Coding change: c.1730C>T on transcript NM_001349253.2 (MANE Select); coding-DNA position 1730, C replaced by T.
Protein change: p.Pro577Leu; replaces proline 577 with leucine.
Molecular consequence: missense variant.
Genome position (GRCh38, 1-based): chr3:38,903,977, G>A on the plus strand (C>T on the coding strand, the complement: SCN11A is on the minus strand). VCF-style: chr3-38903977-G-A. GRCh37 (hg19) VCF-style: chr3-38945468-G-A.
Other names: c.1730C>T, p.Pro577Leu (NM_014139.3); short protein forms P577L.
Identifiers: ClinVar variation 425292 (VCV000425292.58), dbSNP rs374524879, ClinGen allele CA2322226.